The following is an entry in ClinVar:

ClinVar aggregate classification (germline): Benign. Review status: criteria provided, multiple submitters, no conflicts (2 of 4 stars). 2 submissions from 2 submitters: Benign (2). Last evaluated 2018-06-20.

Allele frequency attached by ClinVar (database versions not stated): 1000 Genomes Project 30x 0.48626; 1000 Genomes Project 0.49361; TOPMed 0.54900; gnomAD 0.56131 and 0.56414.
gnomAD v4.1: 639,377 of 984,026 alleles (65%); highest among the groups gnomAD compares: Middle Eastern, 75%; 215,062 homozygotes.

Submissions (2):

GeneDx
Classification: Benign. Last evaluated: 2018-06-20. Review status: criteria provided, single submitter. Criteria: GeneDx Variant Classification (06012015). Collection method: clinical testing. Allele origin: germline. Affected: yes.
Comment: This variant is considered likely benign or benign based on one or more of the following criteria: it is a conservative change, it occurs at a poorly conserved position in the protein, it is predicted to be benign by multiple in silico algorithms, and/or has population frequency not consistent with disease.

Breakthrough Genomics
Classification: Benign. Review status: criteria provided, single submitter. Criteria: ACMG Guidelines, 2015. Collection method: not provided. Allele origin: germline. Inheritance: Autosomal dominant inheritance. Affected: yes.

NM_001042492.3(NF1):c.888+118G>T

Gene: NF1 (neurofibromin 1; plus strand). Cytogenetic location: 17q11.2.
Variant type: single nucleotide variant.
Coding change: c.888+118G>T on transcript NM_001042492.3 (MANE Select); 118 bases into the intron after coding-DNA position 888, G replaced by T.
Molecular consequence: intron variant.
Genome position (GRCh38, 1-based): chr17:31,182,783, G>T. VCF-style: chr17-31182783-G-T. GRCh37 (hg19) VCF-style: chr17-29509801-G-T.
Other names: c.888+118G>T (NM_000267.4, NM_001128147.3).
Identifiers: ClinVar variation 561466 (VCV000561466.2), dbSNP rs2952999, ClinGen allele CA15897719.